The following is an entry in ClinVar:

ClinVar aggregate classification (germline): Uncertain significance (1 of 4 stars; one submission).

Conditions:
Hermansky-Pudlak syndrome 2 (HPS2). Also called: Platelet defects and oculocutaneous albinism. Identifiers: Orphanet 183678, Orphanet 79430, MedGen C1842362, MONDO:0011997, OMIM 608233.

Allele frequency attached by ClinVar (database versions not stated): ExAC 0.00001; TOPMed 0.00001.
gnomAD v4.1: 9 of 1,612,696 alleles (0.00056%); highest among the groups gnomAD compares: Admixed American, 0.015%; no homozygotes.

Submission:

Labcorp Genetics (formerly Invitae), Labcorp
Classification: Uncertain significance for Hermansky-Pudlak syndrome 2. Last evaluated: 2022-08-09. Review status: criteria provided, single submitter. Criteria: Invitae Variant Classification Sherloc (09022015). Collection method: clinical testing. Allele origin: germline.
Comment: This variant has not been reported in the literature in individuals affected with AP3B1-related conditions. This variant is present in population databases (rs745653147, gnomAD 0.02%). This sequence change replaces leucine, which is neutral and non-polar, with isoleucine, which is neutral and non-polar, at codon 983 of the AP3B1 protein (p.Leu983Ile). ClinVar contains an entry for this variant (Variation ID: 1465418). In summary, the available evidence is currently insufficient to determine the role of this variant in disease. Therefore, it has been classified as a Variant of Uncertain Significance. Algorithms developed to predict the effect of missense changes on protein structure and function (SIFT, PolyPhen-2, Align-GVGD) all suggest that this variant is likely to be tolerated.

NM_003664.5(AP3B1):c.2947C>A (p.Leu983Ile)

Gene: AP3B1 (adaptor related protein complex 3 subunit beta 1; minus strand). Cytogenetic location: 5q14.1.
Variant type: single nucleotide variant.
Coding change: c.2947C>A on transcript NM_003664.5 (MANE Select); coding-DNA position 2947, C replaced by A.
Protein change: p.Leu983Ile; replaces leucine 983 with isoleucine.
Molecular consequence: missense variant.
Genome position (GRCh38, 1-based): chr5:78,020,737, G>T on the plus strand (C>A on the coding strand, the complement: AP3B1 is on the minus strand). VCF-style: chr5-78020737-G-T. GRCh37 (hg19) VCF-style: chr5-77316561-G-T.
Other names: c.2800C>A, p.Leu934Ile (NM_001271769.2); short protein forms L983I, L934I.
Identifiers: ClinVar variation 1465418 (VCV001465418.6), dbSNP rs745653147, ClinGen allele CA3316612.
Genomic context (GRCh38, chr5:78,020,737, plus strand): 5'-GTAGACATCTCTCACCTTGCTCTTTCTTAAAATCTTTCTCTGACATGGCCACAGGTAAAA[G>T]CAGTTCTCCAACAGGTGGCTGAATATTAACATTGAAGCAATCATCCTTGGTACTGAAGAA-3'
Protein context (NP_003655.3, residues 973-993): VNIQPPVGEL[Leu983Ile]LPVAMSEKDF